The following is an entry in ClinVar:

NM_014319.5(LEMD3):c.2090C>T (p.Pro697Leu)

Gene: LEMD3 (LEM domain containing 3; plus strand). Cytogenetic location: 12q14.3.
Variant type: single nucleotide variant.
Coding change: c.2090C>T on transcript NM_014319.5 (MANE Select); coding-DNA position 2090, C replaced by T.
Protein change: p.Pro697Leu; replaces proline 697 with leucine.
Molecular consequence: missense variant.
Genome position (GRCh38, 1-based): chr12:65,240,202, C>T. VCF-style: chr12-65240202-C-T. GRCh37 (hg19) VCF-style: chr12-65633982-C-T.
Other names: c.2087C>T, p.Pro696Leu (NM_001167614.2); short protein forms P696L, P697L.
Identifiers: ClinVar variation 2776717 (VCV002776717.3), dbSNP rs2498907825, ClinGen allele CA385672398.

ClinVar aggregate classification (germline): Uncertain significance (1 of 4 stars; one submission).

Submission:

Labcorp Genetics (formerly Invitae), Labcorp
Classification: Uncertain significance. Last evaluated: 2025-03-17. Review status: criteria provided, single submitter. Criteria: Invitae Variant Classification Sherloc (09022015). Collection method: clinical testing. Allele origin: germline.
Comment: This sequence change replaces proline, which is neutral and non-polar, with leucine, which is neutral and non-polar, at codon 697 of the LEMD3 protein (p.Pro697Leu). This variant is not present in population databases (gnomAD no frequency). This variant has not been reported in the literature in individuals affected with LEMD3-related conditions. ClinVar contains an entry for this variant (Variation ID: 2776717). Invitae Evidence Modeling of protein sequence and biophysical properties (such as structural, functional, and spatial information, amino acid conservation, physicochemical variation, residue mobility, and thermodynamic stability) indicates that this missense variant is not expected to disrupt LEMD3 protein function with a negative predictive value of 80%. In summary, the available evidence is currently insufficient to determine the role of this variant in disease. Therefore, it has been classified as a Variant of Uncertain Significance.